The following is an entry in ClinVar:

NM_000059.4(BRCA2):c.680C>T (p.Ala227Val)

Gene: BRCA2 (BRCA2 DNA repair associated; plus strand). Cytogenetic location: 13q13.1.
Variant type: single nucleotide variant.
Coding change: c.680C>T on transcript NM_000059.4 (MANE Select); coding-DNA position 680, C replaced by T.
Protein change: p.Ala227Val; replaces alanine 227 with valine.
Molecular consequence: missense variant.
Genome position (GRCh38, 1-based): chr13:32,329,491, C>T. VCF-style: chr13-32329491-C-T. GRCh37 (hg19) VCF-style: chr13-32903628-C-T.
Other names: p.A227V:GCT>GTT; short protein forms A227V.
Identifiers: ClinVar variation 182179 (VCV000182179.20), dbSNP rs149565664, ClinGen allele CA024426.
Genomic context (GRCh38, chr13:32,329,491, plus strand): 5'-TTTATCTTACAGTCAGAAATGAAGAAGCATCTGAAACTGTATTTCCTCATGATACTACTG[C>T]TGTAAGTAAATATGACATTGATTAGACTGTTGAAATTGCTAACAATTTTGGAATGCCTTG-3'
Protein context (NP_000050.3, residues 217-237): SETVFPHDTT[Ala227Val]NVKSYFSNHD

ClinVar aggregate classification (germline): Conflicting classifications of pathogenicity. Review status: criteria provided, conflicting classifications (1 of 4 stars). 8 submissions from 8 submitters: Uncertain significance (7); Likely benign (1). Last evaluated 2025-12-09.

Conditions:
Hereditary cancer-predisposing syndrome. Also called: Tumor predisposition; Hereditary Cancer Syndrome; Hereditary neoplastic syndrome; Neoplastic Syndromes, Hereditary. Identifiers: Orphanet 140162, MedGen C0027672, MeSH D009386, MONDO:0015356.
Hereditary breast ovarian cancer syndrome. Also called: Breast and ovarian cancer; Hereditary breast and ovarian cancer syndrome; Hereditary breast and ovarian cancer; BRCA1- and BRCA2-Associated Hereditary Breast and Ovarian Cancer; Hereditary breast and ovarian cancer syndrome (HBOC); Hereditary breast and/or ovarian cancer syndrome. Identifiers: Orphanet 145, MedGen C0677776, MeSH D061325, MONDO:0003582. Disease mechanism: loss of function.
Breast-ovarian cancer, familial, susceptibility to, 2 (BROVCA2). Also called: BRCA2 Hereditary Breast and Ovarian Cancer. Identifiers: Orphanet 145, MedGen C2675520, MONDO:0012933, OMIM 612555. Disease mechanism: loss of function.

Allele frequency attached by ClinVar (database versions not stated): gnomAD 0.00002; TOPMed 0.00002; ESP Exome Variant Server 0.00008.
gnomAD v4.1: 3 of 1,593,224 alleles (0.00019%); highest among the groups gnomAD compares: African/African-American, 0.004%; no homozygotes.

Submissions (8):

Labcorp Genetics (formerly Invitae), Labcorp
Classification: Uncertain significance for Hereditary breast ovarian cancer syndrome. Last evaluated: 2025-12-09. Review status: criteria provided, single submitter. Criteria: Invitae Variant Classification Sherloc (09022015). Collection method: clinical testing. Allele origin: germline.
Comment: This sequence change replaces alanine, which is neutral and non-polar, with valine, which is neutral and non-polar, at codon 227 of the BRCA2 protein (p.Ala227Val). This variant is present in population databases (rs149565664, gnomAD 0.004%). This variant has not been reported in the literature in individuals affected with BRCA2-related conditions. ClinVar contains an entry for this variant (Variation ID: 182179). An algorithm developed to predict the effect of missense changes on protein structure and function outputs the following: PolyPhen-2: "Benign". The valine amino acid residue is found in multiple mammalian species, which suggests that this missense change does not adversely affect protein function. In summary, the available evidence is currently insufficient to determine the role of this variant in disease. Therefore, it has been classified as a Variant of Uncertain Significance.

St. Jude Molecular Pathology, St. Jude Children's Research Hospital
Classification: Uncertain significance for Breast-ovarian cancer, familial, susceptibility to, 2. Last evaluated: 2025-06-17. Review status: criteria provided, single submitter. Criteria: St. Jude Assertion Criteria 2020. Collection method: clinical testing. Allele origin: germline.
Comment: The BRCA2 c.680C>T p.(Ala227Val) missense change has a maximum subpopulation frequency of 0.004% in gnomAD v2.1.1. The in silico tool REVEL predicts a benign effect on protein function, but to our knowledge this prediction has not been confirmed by functional studies. To our knowledge, this variant has not been reported as pathogenic in individuals with BRCA2-related disease. In summary, the evidence currently available is insufficient to determine the clinical significance of this variant. It has therefore been classified as of uncertain significance.

Ambry Genetics
Classification: Uncertain significance for Hereditary cancer-predisposing syndrome. Last evaluated: 2025-01-29. Review status: criteria provided, single submitter. Criteria: Ambry Variant Classification Scheme 2023. Collection method: clinical testing. Allele origin: germline.
Comment: The p.A227V variant (also known as c.680C>T), located in coding exon 7 of the BRCA2 gene, results from a C to T substitution at nucleotide position 680. The alanine at codon 227 is replaced by valine, an amino acid with similar properties. This alteration was identified in 1/710 high-risk hereditary breast and ovarian cancer families (Rodr&iacute;guez-Balada M et al. Cancer Genet. 2016 Nov;209:487-492). A study using capillary electrophoresis of semi-quantitative RT-PCR assays of BRCA2 splicing alterations demonstrated similar patterns of splicing in wild-type controls and c.680C>T carriers; subsequent direct sequencing also confirmed bi-allelic expression in c.680C>T carriers (de Garibay GR et al. Hum. Mutat. 2014 Jan;35:53-7). This amino acid position is not well conserved in available vertebrate species. In addition, this alteration is predicted to be tolerated by in silico analysis. Based on the available evidence, the clinical significance of this variant remains unclear.

Color Diagnostics, LLC DBA Color Health
Classification: Uncertain significance for Hereditary cancer-predisposing syndrome. Last evaluated: 2024-09-03. Review status: criteria provided, single submitter. Criteria: ACMG Guidelines, 2015. Collection method: clinical testing. Allele origin: germline.
Comment: This missense variant replaces alanine with valine at codon 227 of the BRCA2 protein. Computational prediction suggests that this variant may not impact protein structure and function. To our knowledge, functional studies have not been reported for this variant. This variant has been detected in a breast cancer case-control meta-analysis in 1/60466 cases and 0/53461 unaffected individuals (PMID: 33471991; Leiden Open Variation Database DB-ID BRCA2_007741), and it also has been reported twice in suspected hereditary breast and ovarian cancer families (PMID: 24123850, 27886673). This variant has been identified in 1/31384 chromosomes in the general population by the Genome Aggregation Database (gnomAD). The available evidence is insufficient to determine the role of this variant in disease conclusively. Therefore, this variant is classified as a Variant of Uncertain Significance.

Women's Health and Genetics/Laboratory Corporation of America, LabCorp
Classification: Uncertain significance. Last evaluated: 2023-09-18. Review status: criteria provided, single submitter. Criteria: LabCorp Variant Classification Summary - May 2015. Collection method: clinical testing. Allele origin: germline.
Comment: Variant summary: BRCA2 c.680C>T (p.Ala227Val) results in a non-conservative amino acid change in the encoded protein sequence. Four of five in-silico tools predict a benign effect of the variant on protein function. The variant was absent in 243714 control chromosomes. The available data on variant occurrences in the general population are insufficient to allow any conclusion about variant significance. c.680C>T has been reported in the literature in individuals with Hereditary Breast And Ovarian Cancer Syndrome, without strong evidence for causality (example, de Garibay_2014, Rodriguez-Balada_2016). It was also reported in an unaffected individual in a large case-control study of Breast cancer (PMID: 33471991). These report(s) do not provide unequivocal conclusions about association of the variant with Hereditary Breast And Ovarian Cancer Syndrome. At least one publication reports experimental evidence evaluating an impact on RNA splicing. RT-PCR of patient RNA showed the variant had no effect on splicing (de Garibay_2014). The following publications have been ascertained in the context of this evaluation (PMID: 27886673, 24123850, 33471991). Four submitters have cited clinical-significance assessments for this variant to ClinVar after 2014. All submitters classified the variant as uncertain significance. Based on the evidence outlined above, the variant was classified as uncertain significance.

All of Us Research Program, National Institutes of Health
Classification: Likely benign for Breast-ovarian cancer, familial, susceptibility to, 2. Last evaluated: 2023-08-15. Review status: criteria provided, single submitter. Criteria: ACMG Guidelines, 2015. Collection method: clinical testing. Allele origin: germline. Inheritance: Autosomal dominant inheritance. Observed: 1 variant allele, 1 heterozygote.
Comment: This study involves interpretation of variants in research participants for the purpose of population health screening. Participant phenotype was not available at the time of variant classification. Additional details can be found in publication PMID: 35346344, PMCID: PMC8962531

Quest Diagnostics Nichols Institute San Juan Capistrano
Classification: Uncertain significance. Last evaluated: 2019-03-26. Review status: criteria provided, single submitter. Criteria: Quest Diagnostics criteria. Collection method: clinical testing. Allele origin: germline.

GeneDx
Classification: Uncertain significance. Last evaluated: 2016-04-28. Review status: criteria provided, single submitter. Criteria: GeneDx Variant Classification (06012015). Collection method: clinical testing. Allele origin: germline. Affected: yes.
Comment: This variant is denoted BRCA2 c.680C>T at the cDNA level, p.Ala227Val (A227V) at the protein level, and results in the change of an Alanine to a Valine (GCT>GTT). Using alternate nomenclature, this variant would be defined as BRCA2 908C>T. BRCA2 Ala227Val occurs at the second to last position with its exon and was selected for splicing analysis by de Garibay et al. (2014), who did not find this variant to impact splicing on both in silico and in vitro analyses. BRCA2 Ala227Val was not observed at a significant allele frequency in the NHLBI Exome Sequencing Project. Since Alanine and Valine share similar properties, this is considered a conservative amino acid substitution. BRCA2 Ala227Val occurs at a position that is not conserved and is not located in a known functional domain. In silico analyses predict that this variant is unlikely to alter protein structure or function. Based on currently available evidence, it is unclear whether BRCA2 Ala227Val is pathogenic or benign. We consider it to be a variant of uncertain significance.

Literature cited by the submitters: PubMed 24123850 (cited by 4 submitters); PubMed 27886673 (cited by 4 submitters); PubMed 33471991 (cited by Color Diagnostics, LLC DBA Color Health and Women's Health and Genetics/Laboratory Corporation of America, LabCorp).